The following is an entry in ClinVar:

NM_024675.4(PALB2):c.535C>G (p.Gln179Glu)

Gene: PALB2 (partner and localizer of BRCA2; minus strand). Cytogenetic location: 16p12.2.
Variant type: single nucleotide variant.
Coding change: c.535C>G on transcript NM_024675.4 (MANE Select); coding-DNA position 535, C replaced by G.
Protein change: p.Gln179Glu; replaces glutamine 179 with glutamic acid.
Molecular consequence: missense variant.
Genome position (GRCh38, 1-based): chr16:23,636,011, G>C on the plus strand (C>G on the coding strand, the complement: PALB2 is on the minus strand). VCF-style: chr16-23636011-G-C. GRCh37 (hg19) VCF-style: chr16-23647332-G-C.
Other names: p.Q179E:CAG>GAG; short protein forms Q179E.
Identifiers: ClinVar variation 182784 (VCV000182784.15), dbSNP rs730881903, ClinGen allele CA299778.

ClinVar aggregate classification (germline): Uncertain significance. Review status: criteria provided, multiple submitters, no conflicts (2 of 4 stars). 4 submissions from 4 submitters: Uncertain significance (4). Last evaluated 2025-12-20.

Conditions:
Familial cancer of breast. Also called: BREAST CANCER, FAMILIAL; hereditary breast carcinoma; Hereditary breast cancer. Identifiers: Orphanet 227535, MedGen C0346153, MONDO:0016419, OMIM 114480. Disease mechanism: loss of function.
Hereditary cancer-predisposing syndrome. Also called: Tumor predisposition; Hereditary neoplastic syndrome; Neoplastic Syndromes, Hereditary; Hereditary Cancer Syndrome. Identifiers: Orphanet 140162, MedGen C0027672, MeSH D009386, MONDO:0015356.

Allele frequency attached by ClinVar (database versions not stated): gnomAD exomes below 0.00001.
gnomAD v4.1: 1 of 1,614,060 alleles (0.000062%); highest among the groups gnomAD compares: Non-Finnish European, 0.000085%; no homozygotes.

Submissions (4):

Ambry Genetics
Classification: Uncertain significance for Hereditary cancer-predisposing syndrome. Last evaluated: 2025-12-20. Review status: criteria provided, single submitter. Criteria: Ambry Variant Classification Scheme 2023. Collection method: clinical testing. Allele origin: germline.
Comment: The p.Q179E variant (also known as c.535C>G), located in coding exon 4 of the PALB2 gene, results from a C to G substitution at nucleotide position 535. The glutamine at codon 179 is replaced by glutamic acid, an amino acid with highly similar properties. This amino acid position is conserved. In addition, this alteration is predicted to be tolerated by in silico analysis. Based on the available evidence, the clinical significance of this variant remains unclear.

Center for Genomic Medicine, Rigshospitalet, Copenhagen University Hospital
Classification: Uncertain significance. Last evaluated: 2025-03-04. Review status: criteria provided, single submitter. Criteria: ACMG Guidelines, 2015. Collection method: clinical testing. Allele origin: germline.

Labcorp Genetics (formerly Invitae), Labcorp
Classification: Uncertain significance for Familial cancer of breast. Last evaluated: 2024-03-20. Review status: criteria provided, single submitter. Criteria: Invitae Variant Classification Sherloc (09022015). Collection method: clinical testing. Allele origin: germline.
Comment: This sequence change replaces glutamine, which is neutral and polar, with glutamic acid, which is acidic and polar, at codon 179 of the PALB2 protein (p.Gln179Glu). This variant is not present in population databases (gnomAD no frequency). This variant has not been reported in the literature in individuals affected with PALB2-related conditions. ClinVar contains an entry for this variant (Variation ID: 182784). An algorithm developed to predict the effect of missense changes on protein structure and function (PolyPhen-2) suggests that this variant is likely to be tolerated. In summary, the available evidence is currently insufficient to determine the role of this variant in disease. Therefore, it has been classified as a Variant of Uncertain Significance.

GeneDx
Classification: Uncertain significance. Last evaluated: 2014-07-24. Review status: criteria provided, single submitter. Criteria: GeneDx Variant Classification (06012015). Collection method: clinical testing. Allele origin: germline. Affected: yes.
Comment: This variant is denoted PALB2 c.535C>G at the cDNA level, p.Gln179Glu (Q179E) at the protein level, and results in the change of a Glutamine to a Glutamic Acid (CAG>GAG). This variant has not, to our knowledge, been published in the literature as pathogenic or benign. PALB2 Gln179Glu was not observed in approximately 6,500 individuals of European and African American ancestry in the NHLBI Exome Sequencing Project, indicating it is not a common benign variant in these populations. Since Glutamine and Glutamic Acid differ in some properties, this is considered a semi-conservative amino acid substitution. PALB2 Gln179Glu occurs at a position that is conserved across species and is located in the DNA-binding domain (Teo 2013). In silico analyses are inconsistent regarding the effect this variant may have on protein structure and function. Based on currently available information, it is unclear whether PALB2 Gln179Glu is pathogenic or benign. We consider it to be a variant of uncertain significance.